The following is an entry in ClinVar:

ClinVar aggregate classification (germline): Benign/Likely benign. Review status: criteria provided, multiple submitters, no conflicts (2 of 4 stars). 3 submissions from 3 submitters: Benign (1); Likely benign (1). 1 of the submissions does not count toward it. Last evaluated 2026-01-22.

Conditions:
ANO10-related disorder. Also called: ANO10-related condition.

Allele frequency attached by ClinVar (database versions not stated): gnomAD 0.00030 and 0.00040; TOPMed 0.00043; ExAC 0.00070; gnomAD exomes 0.00084; 1000 Genomes Project 30x 0.00172; 1000 Genomes Project 0.00200.
gnomAD v4.1: 319 of 1,613,878 alleles (0.02%); highest among the groups gnomAD compares: East Asian, 0.56%; 1 homozygote.

Submissions (3):

Labcorp Genetics (formerly Invitae), Labcorp
Classification: Benign. Last evaluated: 2026-01-22. Review status: criteria provided, single submitter. Criteria: Invitae Variant Classification Sherloc (09022015). Collection method: clinical testing. Allele origin: germline.

Mayo Clinic Laboratories, Mayo Clinic
Classification: Likely benign. Last evaluated: 2025-12-07. Review status: criteria provided, single submitter. Criteria: ACMG Guidelines, 2015. Collection method: clinical testing. Allele origin: germline. Observed: 1 variant allele.
Comment: BA1

PreventionGenetics, part of Exact Sciences
Classification: Benign for ANO10-related condition. Last evaluated: 2019-06-17. Review status: no assertion criteria provided. Collection method: clinical testing. Allele origin: germline. Not counted in ClinVar's aggregate classification.
Comment: This variant is classified as benign based on ACMG/AMP sequence variant interpretation guidelines (Richards et al. 2015 PMID: 25741868, with internal and published modifications).

NM_018075.5(ANO10):c.842T>C (p.Phe281Ser)

Gene: ANO10 (anoctamin 10; minus strand). Cytogenetic location: 3p22.1.
Variant type: single nucleotide variant.
Coding change: c.842T>C on transcript NM_018075.5 (MANE Select); coding-DNA position 842, T replaced by C.
Protein change: p.Phe281Ser; replaces phenylalanine 281 with serine.
Molecular consequence: missense variant. On other transcripts: intron variant (1).
Genome position (GRCh38, 1-based): chr3:43,577,012, A>G on the plus strand (T>C on the coding strand, the complement: ANO10 is on the minus strand). VCF-style: chr3-43577012-A-G. GRCh37 (hg19) VCF-style: chr3-43618504-A-G.
Other names: p.Phe281Ser; c.842T>C (NM_018075.4); c.842T>C, p.Phe281Ser (NM_001204831.3, NM_001346463.2, NM_001346464.2 and 3 more transcripts); c.644T>C, p.Phe215Ser (NM_001204832.3, NM_001346466.2, NM_001346469.2); c.509T>C, p.Phe170Ser (NM_001204833.3); c.593-2148T>C (NM_001204834.3); short protein forms F215S, F281S, F170S.
Identifiers: ClinVar variation 719010 (VCV000719010.10), dbSNP rs184756780, ClinGen allele CA2340935.